The following is an entry in ClinVar:

NM_001374736.1(DST):c.22609C>T (p.Arg7537Trp)

Gene: DST (dystonin; minus strand). Cytogenetic location: 6p12.1.
Variant type: single nucleotide variant.
Coding change: c.22609C>T on transcript NM_001374736.1 (MANE Select); coding-DNA position 22609, C replaced by T.
Protein change: p.Arg7537Trp; replaces arginine 7537 with tryptophan.
Molecular consequence: missense variant.
Genome position (GRCh38, 1-based): chr6:56,466,156, G>A on the plus strand (C>T on the coding strand, the complement: DST is on the minus strand). VCF-style: chr6-56466156-G-A. GRCh37 (hg19) VCF-style: chr6-56330954-G-A.
Other names: c.16252C>T, p.Arg5418Trp (NM_001144769.5); c.15838C>T, p.Arg5280Trp (NM_001144770.2); c.22609C>T, p.Arg7537Trp (NM_001374722.1); c.21649C>T, p.Arg7217Trp (NM_001374729.1); c.15391C>T, p.Arg5131Trp (NM_001374730.1); c.22636C>T, p.Arg7546Trp (NM_001374734.1); c.15700C>T, p.Arg5234Trp (NM_001386100.1); c.14740C>T, p.Arg4914Trp (NM_015548.5); and 1 more; short protein forms R5234W, R5240W, R7546W, R5131W, R7217W, R4914W, R5280W, R7537W.
Identifiers: ClinVar variation 1776674 (VCV001776674.2), dbSNP rs1210435981, ClinGen allele CA364505522.
Genomic context (GRCh38, chr6:56,466,156, plus strand): 5'-TCACTAAGAACTCATCAAGTGCCATCCATCCACCTCCAACACGAACCATCACAGTACTCC[G>A]CAGGATCCGGACCAGTCGCAGTTGCTGGGAGTCTCCAAACTGTTCAGTGAAGAAAGAAAG-3'
Protein context (NP_001361665.1, residues 7527-7547): SQQLRLVRIL[Arg7537Trp]STVMVRVGGG

ClinVar aggregate classification (germline): Uncertain significance (1 of 4 stars; one submission).

Conditions:
Inborn genetic diseases. Identifiers: MedGen C0950123, MeSH D030342.

Allele frequency attached by ClinVar (database versions not stated): gnomAD exomes 0.00001.
gnomAD v4.1: 12 of 1,611,950 alleles (0.00074%); highest among the groups gnomAD compares: Non-Finnish European, 0.00093%; no homozygotes.

Submission:

Ambry Genetics
Classification: Uncertain significance for Inborn genetic diseases. Last evaluated: 2019-09-26. Review status: criteria provided, single submitter. Criteria: Ambry Variant Classification Scheme 2023. Collection method: clinical testing. Allele origin: germline.
Comment: The p.R5418W variant (also known as c.16252C>T), located in coding exon 93 of the DST gene, results from a C to T substitution at nucleotide position 16252. The arginine at codon 5418 is replaced by tryptophan, an amino acid with dissimilar properties. This amino acid position is highly conserved in available vertebrate species. In addition, the in silico prediction for this alteration is inconclusive. Since supporting evidence is limited at this time, the clinical significance of this alteration remains unclear.